The following is an entry in ClinVar:

ClinVar aggregate classification (germline): Uncertain significance (0 of 4 stars; one submission).

Conditions:
RALGAPB-related disorder. Also called: RALGAPB-related condition.

Submission:

PreventionGenetics, part of Exact Sciences
Classification: Uncertain significance for RALGAPB-related condition. Last evaluated: 2024-01-25. Review status: no assertion criteria provided. Collection method: clinical testing. Allele origin: germline.
Comment: The RALGAPB c.251A>G variant is predicted to result in the amino acid substitution p.Lys84Arg. To our knowledge, this variant has not been reported in the literature or in a large population database, indicating this variant is rare. At this time, the clinical significance of this variant is uncertain due to the absence of conclusive functional and genetic evidence.

NM_020336.4(RALGAPB):c.251A>G (p.Lys84Arg)

Gene: RALGAPB (Ral GTPase activating protein non-catalytic subunit beta; plus strand). Cytogenetic location: 20q11.23.
Variant type: single nucleotide variant.
Coding change: c.251A>G on transcript NM_020336.4 (MANE Select); coding-DNA position 251, A replaced by G.
Protein change: p.Lys84Arg; replaces lysine 84 with arginine.
Molecular consequence: missense variant.
Genome position (GRCh38, 1-based): chr20:38,492,994, A>G. VCF-style: chr20-38492994-A-G. GRCh37 (hg19) VCF-style: chr20-37121637-A-G.
Other names: c.251A>G, p.Lys84Arg (NM_001282917.2, NM_001282918.2); short protein forms K84R.
Identifiers: ClinVar variation 3032051 (VCV003032051.2), dbSNP rs1396298862, ClinGen allele CA408876246.
Genomic context (GRCh38, chr20:38,492,994, plus strand): 5'-AATGGACCATGGAAGTAATTTGCTATGGACTGACCCTTCCATTGGATGGAGAGACTGTAA[A>G]ATATTGCGTTGATGTATATACAGACTGGATTATGGCTTTAGTGTTGCCAAAAGATTCTAT-3'
Protein context (NP_065069.1, residues 74-94): LTLPLDGETV[Lys84Arg]YCVDVYTDWI